The following is an entry in ClinVar:

NM_001387430.1(SH2B1):c.1877C>T (p.Pro626Leu)

Gene: SH2B1 (SH2B adaptor protein 1; plus strand). Cytogenetic location: 16p11.2.
Variant type: single nucleotide variant.
Coding change: c.1877C>T on transcript NM_001387430.1 (MANE Select); coding-DNA position 1877, C replaced by T.
Protein change: p.Pro626Leu; replaces proline 626 with leucine.
Molecular consequence: missense variant.
Genome position (GRCh38, 1-based): chr16:28,872,685, C>T. VCF-style: chr16-28872685-C-T. GRCh37 (hg19) VCF-style: chr16-28884006-C-T.
Other names: c.1877C>T, p.Pro626Leu (NM_001145795.2, NM_001145796.2, NM_001145797.2 and 4 more transcripts); c.869C>T, p.Pro290Leu (NM_001308294.2); short protein forms P626L, P290L.
Identifiers: ClinVar variation 4978886 (VCV004978886.1).

ClinVar aggregate classification (germline): Uncertain significance (1 of 4 stars; one submission).

Conditions:
SH2B1-related disorder. Also called: SH2B1-related condition.

Submission:

PreventionGenetics, part of Exact Sciences
Classification: Uncertain significance for SH2B1-related condition. Last evaluated: 2025-09-03. Review status: criteria provided, single submitter. Criteria: ACMG Guidelines, 2015. Collection method: clinical testing. Allele origin: germline.
Comment: The SH2B1 c.1877C>T variant is predicted to result in the amino acid substitution p.Pro626Leu. To our knowledge, this variant has not been reported in the literature or in a large population database (gnomAD), indicating this variant is rare. At this time, the clinical significance of this variant is uncertain due to the absence of conclusive functional and genetic evidence.